The following is an entry in ClinVar:

ClinVar aggregate classification (germline): Benign/Likely benign. Review status: criteria provided, multiple submitters, no conflicts (2 of 4 stars). 7 submissions from 7 submitters: Benign (1); Likely benign (6). Last evaluated 2025-09-22.

Conditions:
Classic or attenuated familial adenomatous polyposis. Identifiers: MedGen CN372698, MONDO:0021057.
Hereditary cancer-predisposing syndrome. Also called: Hereditary Cancer Syndrome; Tumor predisposition; Hereditary neoplastic syndrome; Neoplastic Syndromes, Hereditary. Identifiers: Orphanet 140162, MedGen C0027672, MeSH D009386, MONDO:0015356.
Familial adenomatous polyposis 1 (FAP1). Also called: FAMILIAL ADENOMATOUS POLYPOSIS 1, ATTENUATED; POLYPOSIS, ADENOMATOUS INTESTINAL. Identifiers: MedGen C2713442, MONDO:0021056, OMIM 175100. Disease mechanism: loss of function.

Submissions (7):

Labcorp Genetics (formerly Invitae), Labcorp
Classification: Likely benign for Familial adenomatous polyposis 1. Last evaluated: 2025-09-22. Review status: criteria provided, single submitter. Criteria: Invitae Variant Classification Sherloc (09022015). Collection method: clinical testing. Allele origin: germline.

Myriad Genetics, Inc.
Classification: Benign for Familial adenomatous polyposis 1. Last evaluated: 2024-03-06. Review status: criteria provided, single submitter. Criteria: Myriad Autosomal Dominant, Autosomal Recessive and X-Linked Classification Criteria (2023). Collection method: clinical testing. Allele origin: unknown.
Comment: This variant is considered benign. This variant is a silent/synonymous amino acid change and it is not expected to impact splicing.

All of Us Research Program, National Institutes of Health
Classification: Likely benign for Classic or attenuated familial adenomatous polyposis. Last evaluated: 2023-02-24. Review status: criteria provided, single submitter. Criteria: ACMG Guidelines, 2015. Collection method: clinical testing. Allele origin: germline. Inheritance: Autosomal dominant inheritance. Observed: 1 variant allele, 1 heterozygote.
Comment: This study involves interpretation of variants in research participants for the purpose of population health screening. Participant phenotype was not available at the time of variant classification. Additional details can be found in publication PMID: 35346344, PMCID: PMC8962531

Blueprint Genetics
Classification: Likely benign. Last evaluated: 2021-08-12. Review status: criteria provided, single submitter. Criteria: ACMG Guidelines, 2015. Collection method: clinical testing. Allele origin: germline.

Quest Diagnostics Nichols Institute San Juan Capistrano
Classification: Likely benign. Last evaluated: 2019-12-29. Review status: criteria provided, single submitter. Criteria: Quest Diagnostics criteria. Collection method: clinical testing. Allele origin: unknown.

Ambry Genetics
Classification: Likely benign for Hereditary cancer-predisposing syndrome. Last evaluated: 2018-04-19. Review status: criteria provided, single submitter. Criteria: Ambry Variant Classification Scheme 2023. Collection method: clinical testing. Allele origin: germline.

GeneDx
Classification: Likely benign. Last evaluated: 2017-06-22. Review status: criteria provided, single submitter. Criteria: GeneDx Variant Classification (06012015). Collection method: clinical testing. Allele origin: germline. Affected: yes.
Comment: This variant is considered likely benign or benign based on one or more of the following criteria: it is a conservative change, it occurs at a poorly conserved position in the protein, it is predicted to be benign by multiple in silico algorithms, and/or has population frequency not consistent with disease.

NM_000038.6(APC):c.1656T>G (p.Ser552=)

Gene: APC (APC regulator of Wnt signaling pathway; plus strand). Cytogenetic location: 5q22.2.
Variant type: single nucleotide variant.
Coding change: c.1656T>G on transcript NM_000038.6 (MANE Select); coding-DNA position 1656, T replaced by G.
Protein change: p.Ser552=; no amino-acid change (serine 552 retained).
Molecular consequence: synonymous variant.
Genome position (GRCh38, 1-based): chr5:112,828,885, T>G. VCF-style: chr5-112828885-T-G. GRCh37 (hg19) VCF-style: chr5-112164582-T-G.
Other names: c.1656T>G, p.Ser552= (NM_001127510.3, NM_001354895.2); c.1602T>G, p.Ser534= (NM_001127511.3); c.1710T>G, p.Ser570= (NM_001354896.2); c.1686T>G, p.Ser562= (NM_001354897.2); c.1581T>G, p.Ser527= (NM_001354898.2); c.1572T>G, p.Ser524= (NM_001354899.2); c.1533T>G, p.Ser511= (NM_001354900.2); c.1479T>G, p.Ser493= (NM_001354901.2); and 5 more.
Identifiers: ClinVar variation 510480 (VCV000510480.18), dbSNP rs1554082105, ClinGen allele CA445757388.
Genomic context (GRCh38, chr5:112,828,885, plus strand): 5'-ATAAATTAATCTAAAATTGATTAATTTGCAGGTTATTGCGAGTGTTTTGAGGAATTTGTC[T>G]TGGCGAGCAGATGTAAATAGTAAAAAGACGTTGCGAGAAGTTGGAAGTGTGAAAGCATTG-3'
Protein context (NP_000029.2, residues 542-562): QVIASVLRNL[Ser552=]WRADVNSKKT